The following is an entry in ClinVar:

ClinVar aggregate classification (germline): Uncertain significance (1 of 4 stars; one submission).

Submission:

Ambry Genetics
Classification: Uncertain significance. Last evaluated: 2024-06-17. Review status: criteria provided, single submitter. Criteria: Ambry Variant Classification Scheme 2023. Collection method: clinical testing. Allele origin: germline.
Comment: The p.C344Y variant (also known as c.1031G>A), located in coding exon 2 of the PALLD gene, results from a G to A substitution at nucleotide position 1031. The cysteine at codon 344 is replaced by tyrosine, an amino acid with highly dissimilar properties. This amino acid position is conserved. In addition, this alteration is predicted to be deleterious by in silico analysis. Based on the available evidence, the clinical significance of this variant remains unclear.

NM_001166108.2(PALLD):c.1031G>A (p.Cys344Tyr)

Gene: PALLD (palladin, cytoskeletal associated protein; plus strand). Cytogenetic location: 4q32.3.
Variant type: single nucleotide variant.
Coding change: c.1031G>A on transcript NM_001166108.2 (MANE Select); coding-DNA position 1031, G replaced by A.
Protein change: p.Cys344Tyr; replaces cysteine 344 with tyrosine.
Molecular consequence: missense variant. On other transcripts: 5 prime UTR variant (1).
Genome position (GRCh38, 1-based): chr4:168,668,312, G>A. VCF-style: chr4-168668312-G-A. GRCh37 (hg19) VCF-style: chr4-169589463-G-A.
Other names: c.-116G>A (NM_001166109.2); c.1031G>A, p.Cys344Tyr (NM_016081.4); short protein forms C344Y.
Identifiers: ClinVar variation 3304039 (VCV003304039.1).